The following is an entry in ClinVar:

ClinVar aggregate classification (germline): Uncertain significance (1 of 4 stars; one submission).

Conditions:
Leber congenital amaurosis 17 (LCA17). Identifiers: Orphanet 65, MedGen C3715164, MONDO:0014145, OMIM 615360.
Microphthalmia, isolated, with coloboma 6 (MCOPCB6). Also called: MICROPHTHALMIA/COLOBOMA 6; Microphthalmia with coloboma 6, digenic; Microphthalmia with coloboma 6. Identifiers: Orphanet 98938, MedGen C3150968, MONDO:0013376, OMIM 613703.
Klippel-Feil syndrome 1, autosomal dominant (KFS1). Also called: CERVICAL VERTEBRAL FUSION, AUTOSOMAL DOMINANT. Identifiers: Orphanet 2345, MedGen C1861689, MONDO:0007306, OMIM 118100.
Isolated microphthalmia 4. Identifiers: Orphanet 2542, MedGen C2751307, MONDO:0013130, OMIM 613094.

Submission:

Labcorp Genetics (formerly Invitae), Labcorp
Classification: Uncertain significance for Isolated microphthalmia 4; Leber congenital amaurosis 17; Klippel-Feil syndrome 1, autosomal dominant; Microphthalmia, isolated, with coloboma 6. Last evaluated: 2023-09-05. Review status: criteria provided, single submitter. Criteria: Invitae Variant Classification Sherloc (09022015). Collection method: clinical testing. Allele origin: germline.
Comment: This sequence change replaces glycine, which is neutral and non-polar, with arginine, which is basic and polar, at codon 206 of the GDF6 protein (p.Gly206Arg). In summary, the available evidence is currently insufficient to determine the role of this variant in disease. Therefore, it has been classified as a Variant of Uncertain Significance. Advanced modeling of protein sequence and biophysical properties (such as structural, functional, and spatial information, amino acid conservation, physicochemical variation, residue mobility, and thermodynamic stability) performed at Invitae indicates that this missense variant is not expected to disrupt GDF6 protein function. This variant has not been reported in the literature in individuals affected with GDF6-related conditions. This variant is not present in population databases (gnomAD no frequency).

NM_001001557.4(GDF6):c.616G>C (p.Gly206Arg)

Gene: GDF6 (growth differentiation factor 6; minus strand). Cytogenetic location: 8q22.1.
Variant type: single nucleotide variant.
Coding change: c.616G>C on transcript NM_001001557.4 (MANE Select); coding-DNA position 616, G replaced by C.
Protein change: p.Gly206Arg; replaces glycine 206 with arginine.
Molecular consequence: missense variant.
Genome position (GRCh38, 1-based): chr8:96,145,315, C>G on the plus strand (G>C on the coding strand, the complement: GDF6 is on the minus strand). VCF-style: chr8-96145315-C-G. GRCh37 (hg19) VCF-style: chr8-97157543-C-G.
Other names: short protein forms G206R.
Identifiers: ClinVar variation 2951652 (VCV002951652.3), dbSNP rs901058669, ClinGen allele CA371752228.